The following is an entry in ClinVar:

NM_001042492.3(NF1):c.7322-17C>T

Gene: NF1 (neurofibromin 1; plus strand). Cytogenetic location: 17q11.2.
Variant type: single nucleotide variant.
Coding change: c.7322-17C>T on transcript NM_001042492.3 (MANE Select); 17 bases into the intron before coding-DNA position 7322, C replaced by T.
Molecular consequence: intron variant.
Genome position (GRCh38, 1-based): chr17:31,350,166, C>T. VCF-style: chr17-31350166-C-T. GRCh37 (hg19) VCF-style: chr17-29677184-C-T.
Other names: c.7259-17C>T (NM_000267.4).
Identifiers: ClinVar variation 220819 (VCV000220819.53), dbSNP rs17884859, ClinGen allele CA348334.
Genomic context (GRCh38, chr17:31,350,166, plus strand): 5'-CTGTAAGAAGTTCATCCTGTTTTAAGTCACACTTGTGATTTGTTAAATTTTTTAACCTGC[C>T]ACCGTTTTCCTTTTAGCTTTACTTACAGTGTCTGAAGAAGTTCGAAGTCGCTGCAGCCTA-3'

ClinVar aggregate classification (germline): Benign/Likely benign. Review status: criteria provided, multiple submitters, no conflicts (2 of 4 stars). 19 submissions from 18 submitters: Benign (15); Likely benign (2). 2 of the submissions do not count toward it. Last evaluated 2026-09-01.

Conditions:
Café-au-lait macules with pulmonary stenosis (WTSN). Also called: PULMONIC STENOSIS WITH CAFE-AU-LAIT SPOTS. Identifiers: MedGen C0553586, MONDO:0008672, OMIM 193520.
Juvenile myelomonocytic leukemia (JMML). Also called: LEUKEMIA, JUVENILE MYELOMONOCYTIC, SOMATIC. Identifiers: Orphanet 86834, MedGen C0349639, MONDO:0011908, OMIM 607785, HP:0012209.
Neurofibromatosis, familial spinal (FSNF). Identifiers: Orphanet 636, MedGen C1834235, MONDO:0008078, OMIM 162210. Disease mechanism: loss of function.
Neurofibromatosis-Noonan syndrome (NFNS). Also called: NEUROFIBROMATOSIS WITH NOONAN PHENOTYPE. Identifiers: Orphanet 638, MedGen C2931482, MONDO:0011035, OMIM 601321. Disease mechanism: loss of function.
Neurofibromatosis, type 1 (NF1). Also called: VON RECKLINGHAUSEN DISEASE; Peripheral type neurofibromatosis; NEUROFIBROMATOSIS, TYPE I, SOMATIC; Neurofibromatosis, type I. Identifiers: Orphanet 636, MedGen C0027831, MONDO:0018975, OMIM 162200. Disease mechanism: loss of function.
Hereditary cancer-predisposing syndrome. Also called: Neoplastic Syndromes, Hereditary; Tumor predisposition; Hereditary Cancer Syndrome; Hereditary neoplastic syndrome. Identifiers: Orphanet 140162, MedGen C0027672, MeSH D009386, MONDO:0015356.

Allele frequency attached by ClinVar (database versions not stated): gnomAD exomes 0.00133 and 0.00240; ExAC 0.00260; 1000 Genomes Project 0.00699; gnomAD 0.00702 and 0.00744; TOPMed 0.00788; 1000 Genomes Project 30x 0.00812; ESP Exome Variant Server 0.00830.
gnomAD v4.1: 3,074 of 1,613,764 alleles (0.19%); highest among the groups gnomAD compares: African/African-American, 2.4%; 26 homozygotes.

Submissions (19):

CeGaT Center for Human Genetics Tuebingen
Classification: Benign. Last evaluated: 2026-09-01. Review status: criteria provided, single submitter. Criteria: CeGaT Center For Human Genetics Tuebingen Variant Classification Criteria Version 2. Collection method: clinical testing. Allele origin: germline. Affected: yes. Observed: 14 variant alleles.
Comment: NF1: BS1, BS2

Myriad Genetics, Inc.
Classification: Benign for Neurofibromatosis, type 1. Last evaluated: 2026-05-21. Review status: criteria provided, single submitter. Criteria: Myriad Autosomal Dominant, Autosomal Recessive and X-Linked Classification Criteria (2023). Collection method: clinical testing. Allele origin: unknown.
Comment: This variant is considered benign. This variant is intronic and is not expected to impact mRNA splicing. This variant has been observed at a population frequency that is significantly greater than expected given the associated disease prevalence and penetrance.

Labcorp Genetics (formerly Invitae), Labcorp
Classification: Benign for Neurofibromatosis, type 1. Last evaluated: 2026-02-03. Review status: criteria provided, single submitter. Criteria: Invitae Variant Classification Sherloc (09022015). Collection method: clinical testing. Allele origin: germline.

ARUP Laboratories, Molecular Genetics and Genomics, ARUP Laboratories
Classification: Benign. Last evaluated: 2025-07-22. Review status: criteria provided, single submitter. Criteria: ARUP Molecular Germline Variant Investigation Process 2024. Collection method: clinical testing. Allele origin: germline.

Molecular Diagnostics Laboratory, Catalan Institute of Oncology
Classification: Benign for Hereditary cancer-predisposing syndrome. Last evaluated: 2025-07-20. Review status: criteria provided, single submitter. Criteria: ACMG Guidelines, 2015. Collection method: clinical testing. Allele origin: germline.
Comment: BA1, BP4 c.7322-17C>T is located in intron 49 close to a canonical splice site of of the MANEselect transcript (NM_001042492.3) of the NF1 gene. This variant can also be called c.7259-17C>T, according to transcript NM_000267.3. The variant allele was found in 587 out of 23604 alleles, with a filter allele frequency of 2.25% at 95% confidence, within the African population in the gnomAD v2.1.1 database (non-cancer dataset)(BA1). The SpliceAI algorithm predicts no significant impact on splicing (BP4). To our knowledge, functional studies have not been reported for this variant. In addition, this variant has been reported in ClinVar (15x benign, 1x likely benign) but it has not been reported in LOVD. Based on the currently available information, c.7322-17C>T is classified as a benign variant according to ACMG guidelines.

KCCC/NGS Laboratory, Kuwait Cancer Control Center
Classification: Benign for Neurofibromatosis, type 1. Last evaluated: 2025-02-01. Review status: criteria provided, single submitter. Criteria: ACMG Guidelines, 2015. Collection method: clinical testing. Allele origin: germline. Affected: no.

Blueprint Genetics
Classification: Likely benign. Last evaluated: 2024-11-27. Review status: criteria provided, single submitter. Criteria: ACMG Guidelines, 2015. Collection method: clinical testing. Allele origin: germline.

KCCC/NGS Laboratory, Kuwait Cancer Control Center
Classification: Benign for Neurofibromatosis, familial spinal. Last evaluated: 2023-07-07. Review status: criteria provided, single submitter. Criteria: ACMG Guidelines, 2015. Collection method: clinical testing. Allele origin: germline. Affected: yes.

Genome-Nilou Lab
Classification: Benign for Neurofibromatosis, type 1. Last evaluated: 2022-03-15. Review status: criteria provided, single submitter. Criteria: ACMG Guidelines, 2015. Collection method: clinical testing. Allele origin: germline. Affected: no.

Fulgent Genetics
Classification: Likely benign for Neurofibromatosis, type 1; Neurofibromatosis, familial spinal; Café-au-lait macules with pulmonary stenosis; Neurofibromatosis-Noonan syndrome; Juvenile myelomonocytic leukemia. Last evaluated: 2021-11-09. Review status: criteria provided, single submitter. Criteria: ACMG Guidelines, 2015. Collection method: clinical testing. Allele origin: unknown.

Sema4
Classification: Benign for Hereditary cancer-predisposing syndrome. Last evaluated: 2020-04-28. Review status: criteria provided, single submitter. Criteria: Sema4 Curation Guidelines. Collection method: curation. Allele origin: germline.

Women's Health and Genetics/Laboratory Corporation of America, LabCorp
Classification: Benign. Last evaluated: 2019-10-29. Review status: criteria provided, single submitter. Criteria: LabCorp Variant Classification Summary - May 2015. Collection method: clinical testing. Allele origin: germline.
Comment: Variant summary: NF1 c.7259-17C>T alters a non-conserved nucleotide located close to a canonical splice site and therefore could affect mRNA splicing, leading to a significantly altered protein sequence. 5/5 computational tools predict no significant impact on normal splicing. However, these predictions have yet to be confirmed by functional studies. The variant allele was found at a frequency of 0.0024 in 251342 control chromosomes in the gnomAD database, including 7 homozygotes. The observed variant frequency is approximately 960 fold of the estimated maximal expected allele frequency for a pathogenic variant in NF1 causing Noonan Syndrome and Related Conditions phenotype (2.5e-06), strongly suggesting that the variant is benign. To our knowledge, no occurrence of c.7259-17C>T in individuals affected with Noonan Syndrome and Related Conditions and no experimental evidence demonstrating its impact on protein function have been reported. Five clinical diagnostic laboratories have submitted clinical-significance assessments for this variant to ClinVar after 2014 without evidence for independent evaluation. All laboratories classified the variant as benign/likely benign. Based on the evidence outlined above, the variant was classified as benign.

GeneDx
Classification: Benign. Last evaluated: 2017-09-25. Review status: criteria provided, single submitter. Criteria: GeneDx Variant Classification (06012015). Collection method: clinical testing. Allele origin: germline. Affected: yes.
Comment: This variant is considered likely benign or benign based on one or more of the following criteria: it is a conservative change, it occurs at a poorly conserved position in the protein, it is predicted to be benign by multiple in silico algorithms, and/or has population frequency not consistent with disease.

Center for Pediatric Genomic Medicine, Children's Mercy Hospital and Clinics
Classification: Benign. Last evaluated: 2017-01-10. Review status: criteria provided, single submitter. Criteria: ACMG Guidelines, 2015. Collection method: clinical testing. Allele origin: germline.

Laboratory for Molecular Medicine, Mass General Brigham Personalized Medicine
Classification: Benign. Last evaluated: 2016-04-25. Review status: criteria provided, single submitter. Criteria: LMM Criteria. Collection method: clinical testing. Allele origin: germline.
Comment: Variant identified in a genome or exome case(s) and assessed due to predicted null impact of the variant or pathogenic assertions in the literature or databases. Disclaimer: This variant has not undergone full assessment. The following are preliminary notes: Frequency, gene associated with neurofibromatosis

Breakthrough Genomics
Classification: Benign. Review status: criteria provided, single submitter. Criteria: ACMG Guidelines, 2015. Collection method: not provided. Allele origin: germline. Inheritance: Autosomal dominant inheritance. Affected: yes.

PreventionGenetics, part of Exact Sciences
Classification: Benign. Review status: criteria provided, single submitter. Criteria: ACMG Guidelines, 2015. Collection method: clinical testing. Allele origin: germline.

Clinical Genetics DNA and cytogenetics Diagnostics Lab, Erasmus MC, Erasmus Medical Center
Classification: Benign. Review status: no assertion criteria provided. Collection method: clinical testing. Allele origin: germline. Affected: yes. Study: VKGL Data-share Consensus. Not counted in ClinVar's aggregate classification.

Genome Diagnostics Laboratory, Amsterdam University Medical Center
Classification: Benign. Review status: no assertion criteria provided. Collection method: clinical testing. Allele origin: germline. Affected: yes. Study: VKGL Data-share Consensus. Not counted in ClinVar's aggregate classification.

Literature cited by the submitters: PubMed 10678181 (cited by Women's Health and Genetics/Laboratory Corporation of America, LabCorp); PubMed 23460398 (cited by Women's Health and Genetics/Laboratory Corporation of America, LabCorp); PubMed 27069254 (cited by Women's Health and Genetics/Laboratory Corporation of America, LabCorp).